The following is an entry in ClinVar:

NM_002547.3(OPHN1):c.818A>C (p.Tyr273Ser)

Gene: OPHN1 (oligophrenin 1; minus strand). Cytogenetic location: Xq12.
Variant type: single nucleotide variant.
Coding change: c.818A>C on transcript NM_002547.3 (MANE Select); coding-DNA position 818, A replaced by C.
Protein change: p.Tyr273Ser; replaces tyrosine 273 with serine.
Molecular consequence: missense variant.
Genome position (GRCh38, 1-based): chrX:68,210,167, T>G on the plus strand (A>C on the coding strand, the complement: OPHN1 is on the minus strand). VCF-style: chrX-68210167-T-G. GRCh37 (hg19) VCF-style: chrX-67430009-T-G.
Other names: c.818A>C, p.Tyr273Ser (NM_001437258.1); short protein forms Y273S.
Identifiers: ClinVar variation 5008915 (VCV005008915.1).

ClinVar aggregate classification (germline): Uncertain significance (1 of 4 stars; one submission).

Submission:

GeneDx
Classification: Uncertain significance. Last evaluated: 2026-03-12. Review status: criteria provided, single submitter. Criteria: GeneDx Variant Classification Process June 2021. Collection method: clinical testing. Allele origin: germline.
Comment: Not observed at significant frequency in large population cohorts (gnomAD); In silico analysis supports that this missense variant has a deleterious effect on protein structure/function; Has not been previously published as pathogenic or benign to our knowledge